The following is an entry in ClinVar:

NM_000530.8(MPZ):c.394C>T (p.Pro132Ser)

Gene: MPZ (myelin protein zero; minus strand). Cytogenetic location: 1q23.3.
Variant type: single nucleotide variant.
Coding change: c.394C>T on transcript NM_000530.8 (MANE Select); coding-DNA position 394, C replaced by T.
Protein change: p.Pro132Ser; replaces proline 132 with serine.
Molecular consequence: missense variant.
Genome position (GRCh38, 1-based): chr1:161,306,762, G>A on the plus strand (C>T on the coding strand, the complement: MPZ is on the minus strand). VCF-style: chr1-161306762-G-A. GRCh37 (hg19) VCF-style: chr1-161276552-G-A.
Other names: c.394C>T (LRG_256t1); c.394C>T, p.Pro132Ser (NM_001315491.2); short protein forms P132S.
Identifiers: ClinVar variation 661067 (VCV000661067.9), dbSNP rs1553259649, ClinGen allele CA343348729.

ClinVar aggregate classification (germline): Pathogenic/Likely pathogenic. Review status: criteria provided, multiple submitters, no conflicts (2 of 4 stars). 2 submissions from 2 submitters: Pathogenic (1); Likely pathogenic (1). Last evaluated 2025-09-02.

Conditions:
Charcot-Marie-Tooth disease type 1B. Also called: Charcot-Marie-Tooth disease, demyelinating, type 1b; Hereditary motor and sensory neuropathy 1B; Charcot-Marie-Tooth disease, type IB; CHARCOT-MARIE-TOOTH DISEASE, AUTOSOMAL DOMINANT, WITH FOCALLY FOLDED MYELIN SHEATHS, TYPE 1B; CHARCOT-MARIE-TOOTH DISEASE, SLOW NERVE CONDUCTION TYPE, LINKED TO DUFFY; CHARCOT-MARIE-TOOTH NEUROPATHY, TYPE 1B. Identifiers: Orphanet 101082, MedGen C0270912, MONDO:0007307, OMIM 118200.
Charcot-Marie-Tooth disease, type I (CMT1). Also called: Charcot-Marie-Tooth disease type 1; Charcot-Marie-Tooth, Type 1. Identifiers: Orphanet 65753, MedGen C0751036, MONDO:0019011.

Submissions (2):

Labcorp Genetics (formerly Invitae), Labcorp
Classification: Pathogenic for Charcot-Marie-Tooth disease, type I. Last evaluated: 2025-09-02. Review status: criteria provided, single submitter. Criteria: Invitae Variant Classification Sherloc (09022015). Collection method: clinical testing. Allele origin: germline.
Comment: This sequence change replaces proline, which is neutral and non-polar, with serine, which is neutral and polar, at codon 132 of the MPZ protein (p.Pro132Ser). This variant is not present in population databases (gnomAD no frequency). This missense change has been observed in individuals with Charcot-Marie-Tooth disease (PMID: 33825325; internal data). ClinVar contains an entry for this variant (Variation ID: 661067). Invitae Evidence Modeling of protein sequence and biophysical properties (such as structural, functional, and spatial information, amino acid conservation, physicochemical variation, residue mobility, and thermodynamic stability) has been performed for this missense variant. However, the output from this modeling did not meet the statistical confidence thresholds required to predict the impact of this variant on MPZ protein function. This variant disrupts the p.Pro132 amino acid residue in MPZ. Other variant(s) that disrupt this residue have been observed in individuals with MPZ-related conditions (PMID: 9452099, 20456450), which suggests that this may be a clinically significant amino acid residue. For these reasons, this variant has been classified as Pathogenic.

3billion
Classification: Likely pathogenic for Charcot-Marie-Tooth disease type 1B. Last evaluated: 2023-12-27. Review status: criteria provided, single submitter. Criteria: ACMG Guidelines, 2015. Collection method: clinical testing. Allele origin: germline. Affected: yes.
Comment: The variant is not observed in the gnomAD v2.1.1 dataset. Predicted Consequence/Location: Missense variant In silico tool predictions suggest damaging effect of the variant on gene or gene product [REVEL: 0.41 (>=0.6, sensitivity 0.68 and specificity 0.92); 3Cnet: 1.00 (>=0.6, sensitivity 0.72 and precision 0.9)]. Same nucleotide change resulting in same amino acid change has been previously reported to be associated with MPZ-related disorder (ClinVar ID: VCV000661067 /PMID: 33825325).Different missense changes at the same codon (p.Pro132Ala, p.Pro132Leu, p.Pro132Thr) have been reported as pathogenic/likely pathogenic with strong evidence (ClinVar ID: VCV000462796 /PMID: 20456450, 31315766, 9452099). Therefore, this variant is classified as Likely pathogenic according to the recommendation of ACMG/AMP guideline.

Literature cited by the submitters: PubMed 33825325 (cited by Labcorp Genetics (formerly Invitae), Labcorp and 3billion); PubMed 9452099 (cited by Labcorp Genetics (formerly Invitae), Labcorp); PubMed 20456450 (cited by Labcorp Genetics (formerly Invitae), Labcorp and 3billion).